The following is an entry in ClinVar:

NM_012203.2(GRHPR):c.370C>T (p.Arg124Cys)

Gene: GRHPR (glyoxylate and hydroxypyruvate reductase; plus strand). Cytogenetic location: 9p13.2.
Variant type: single nucleotide variant.
Coding change: c.370C>T on transcript NM_012203.2 (MANE Select); coding-DNA position 370, C replaced by T.
Protein change: p.Arg124Cys; replaces arginine 124 with cysteine.
Molecular consequence: missense variant.
Genome position (GRCh38, 1-based): chr9:37,426,620, C>T. VCF-style: chr9-37426620-C-T. GRCh37 (hg19) VCF-style: chr9-37426617-C-T.
Other names: c.370C>T (NM_012203.1); short protein forms R124C.
Identifiers: ClinVar variation 2078815 (VCV002078815.10), dbSNP rs372712521, ClinGen allele CA5059017.
Genomic context (GRCh38, chr9:37,426,620, plus strand): 5'-CCAGATGTCCTGACAGATACCACCGCCGAACTCGCAGTCTCCCTGCTACTTACCACCTGC[C>T]GCCGGTTGCCGGAGGCCATCGAGGAAGTGAAGAAGTAAGTGAACGCAGACCAGGTGCGGT-3'
Protein context (NP_036335.1, residues 114-134): LAVSLLLTTC[Arg124Cys]RLPEAIEEVK

ClinVar aggregate classification (germline): Likely pathogenic. Review status: criteria provided, multiple submitters, no conflicts (2 of 4 stars). 4 submissions from 4 submitters: Likely pathogenic (3). 1 of the submissions does not count toward it. Last evaluated 2025-11-05.

Conditions:
GRHPR-related disorders.
Primary hyperoxaluria, type II (HP2). Also called: D-GLYCERATE DEHYDROGENASE DEFICIENCY; GLYCERIC ACIDURIA; GLYOXYLATE REDUCTASE/HYDROXYPYRUVATE REDUCTASE DEFICIENCY; OXALOSIS II; Primary hyperoxaluria type 2. Identifiers: Orphanet 416, Orphanet 93599, MedGen C0268165, MONDO:0009824, OMIM 260000. Disease mechanism: loss of function.

Allele frequency attached by ClinVar (database versions not stated): gnomAD exomes 0.00001; ExAC 0.00002; TOPMed 0.00002; ESP Exome Variant Server 0.00008.
gnomAD v4.1: 9 of 1,613,072 alleles (0.00056%); highest among the groups gnomAD compares: South Asian, 0.0011%; no homozygotes.

Submissions (4):

Natera, Inc.
Classification: Likely pathogenic for Primary hyperoxaluria type II. Last evaluated: 2025-11-05. Review status: criteria provided, single submitter. Criteria: Natera Variant Classification Schema (03/2026). Collection method: clinical testing. Allele origin: germline.
Comment: The c.370C>T variant in GRHPR is a missense variant predicted to cause substitution of arginine to cysteine at amino acid 124. This variant is rare in the general population with a frequency below the threshold expected for the associated phenotype(s). This variant has been observed in one or more individuals affected with the associated recessive disease, as either homozygous or compound heterozygous with a second variant (PMID: 38737343, 37914965, 35678848, 3499572). Computational prediction algorithms indicate this variant is likely to affect gene or protein function. Given the available evidence, this variant is classified as Likely Pathogenic.

Labcorp Genetics (formerly Invitae), Labcorp
Classification: Likely pathogenic. Last evaluated: 2023-03-02. Review status: criteria provided, single submitter. Criteria: Invitae Variant Classification Sherloc (09022015). Collection method: clinical testing. Allele origin: germline.
Comment: In summary, the currently available evidence indicates that the variant is pathogenic, but additional data are needed to prove that conclusively. Therefore, this variant has been classified as Likely Pathogenic. Advanced modeling of protein sequence and biophysical properties (such as structural, functional, and spatial information, amino acid conservation, physicochemical variation, residue mobility, and thermodynamic stability) performed at Invitae indicates that this missense variant is expected to disrupt GRHPR protein function. ClinVar contains an entry for this variant (Variation ID: 2078815). This missense change has been observed in individual(s) with primary hyperoxaluria type 2 (PMID: 30488096, 31685312). In at least one individual the data is consistent with being in trans (on the opposite chromosome) from a pathogenic variant. This variant is present in population databases (rs372712521, gnomAD 0.006%). This sequence change replaces arginine, which is basic and polar, with cysteine, which is neutral and slightly polar, at codon 124 of the GRHPR protein (p.Arg124Cys).

Blueprint Genetics
Classification: Likely pathogenic for GRHPR-related disorders. Last evaluated: 2022-02-04. Review status: criteria provided, single submitter. Criteria: ACMG Guidelines, 2015. Collection method: clinical testing. Allele origin: germline. Affected: yes. Observed: 1 variant allele.

Chinese Inherited Urolithiasis Consortium, The Affiliated Yantai Yuhuangding Hospital of Qingdao University
Classification: Likely pathogenic for Primary hyperoxaluria, type II. Last evaluated: 2024-08-26. Review status: no assertion criteria provided. Collection method: clinical testing. Allele origin: biparental. Affected: yes. Observed: 1 variant allele. Not counted in ClinVar's aggregate classification.

Literature cited by the submitters: PubMed 38737343 (cited by Natera, Inc.); PubMed 37914965 (cited by Natera, Inc.); PubMed 35678848 (cited by Natera, Inc.); PubMed 3499572 (cited by Natera, Inc.); PubMed 30488096 (cited by Labcorp Genetics (formerly Invitae), Labcorp); PubMed 31685312 (cited by Labcorp Genetics (formerly Invitae), Labcorp).